The following is an entry in ClinVar:

ClinVar aggregate classification (germline): Likely benign (1 of 4 stars; one submission).

gnomAD v4.1: 2,512 of 1,612,524 alleles (0.16%); highest among the groups gnomAD compares: Non-Finnish European, 0.2%; 3 homozygotes.

Submission:

CeGaT Center for Human Genetics Tuebingen
Classification: Likely benign. Last evaluated: 2026-05-01. Review status: criteria provided, single submitter. Criteria: CeGaT Center For Human Genetics Tuebingen Variant Classification Criteria Version 2. Collection method: clinical testing. Allele origin: germline. Affected: yes. Observed: 2 variant alleles.
Comment: DAGLA: BS1

NM_006133.3(DAGLA):c.2430C>A (p.His810Gln)

Gene: DAGLA (diacylglycerol lipase alpha; plus strand). Cytogenetic location: 11q12.2.
Variant type: single nucleotide variant.
Coding change: c.2430C>A on transcript NM_006133.3 (MANE Select); coding-DNA position 2430, C replaced by A.
Protein change: p.His810Gln; replaces histidine 810 with glutamine.
Molecular consequence: missense variant.
Genome position (GRCh38, 1-based): chr11:61,743,790, C>A. VCF-style: chr11-61743790-C-A. GRCh37 (hg19) VCF-style: chr11-61511262-C-A.
Other names: short protein forms H810Q.
Identifiers: ClinVar variation 4823877 (VCV004823877.4).